The following is an entry in ClinVar:

NM_020163.3(SEMA3G):c.1093C>T (p.His365Tyr)

Gene: SEMA3G (semaphorin 3G; minus strand). Cytogenetic location: 3p21.1.
Variant type: single nucleotide variant.
Coding change: c.1093C>T on transcript NM_020163.3 (MANE Select); coding-DNA position 1093, C replaced by T.
Protein change: p.His365Tyr; replaces histidine 365 with tyrosine.
Molecular consequence: missense variant.
Genome position (GRCh38, 1-based): chr3:52,440,427, G>A on the plus strand (C>T on the coding strand, the complement: SEMA3G is on the minus strand). VCF-style: chr3-52440427-G-A. GRCh37 (hg19) VCF-style: chr3-52474443-G-A.
Other names: c.1093C>T (NM_020163.2); short protein forms H365Y.
Identifiers: ClinVar variation 3159739 (VCV003159739.2), dbSNP rs2471430176, ClinGen allele CA353149377.

ClinVar aggregate classification (germline): Uncertain significance. Review status: criteria provided, multiple submitters, no conflicts (2 of 4 stars). 2 submissions from 2 submitters: Uncertain significance (2). Last evaluated 2026-09-09.

Conditions:
SEMA3G-related disorder. Also called: SEMA3G-related condition.

Submissions (2):

PreventionGenetics, part of Exact Sciences
Classification: Uncertain significance for SEMA3G-related condition. Last evaluated: 2026-09-09. Review status: criteria provided, single submitter. Criteria: ACMG Guidelines, 2015. Collection method: clinical testing. Allele origin: germline.
Comment: The SEMA3G c.1093C>T variant is predicted to result in the amino acid substitution p.His365Tyr. To our knowledge, this variant has not been reported in the literature or in a large population database (gnomAD), indicating this variant is rare. At this time, the clinical significance of this variant is uncertain due to the absence of conclusive functional and genetic evidence.

Ambry Genetics
Classification: Uncertain significance. Last evaluated: 2023-12-12. Review status: criteria provided, single submitter. Criteria: Ambry Variant Classification Scheme 2023. Collection method: clinical testing. Allele origin: germline.